The following is an entry in ClinVar:

ClinVar aggregate classification (germline): Conflicting classifications of pathogenicity. Review status: criteria provided, conflicting classifications (1 of 4 stars). 2 submissions from 2 submitters: Uncertain significance (1); Likely benign (1). Last evaluated 2019-09-10.

Conditions:
GLUT1 deficiency syndrome 1, autosomal recessive. Identifiers: MedGen C3149117.
Encephalopathy due to GLUT1 deficiency. Also called: Classic Glucose Transporter Type 1 Deficiency Syndrome; GLUCOSE TRANSPORT DEFECT, BLOOD-BRAIN BARRIER; De Vivo disease; Glucose transporter protein syndrome; GLUT1 deficiency syndrome 1; GLUT1 deficiency syndrome 1, infantile onset, severe. Identifiers: Orphanet 71277, MedGen C4551966, MONDO:0011724, OMIM 606777.
Hereditary cryohydrocytosis with reduced stomatin. Also called: Stomatin-deficient cryohydrocytosis with neurologic defects; GLUT1 DEFICIENCY SYNDROME WITH PSEUDOHYPERKALEMIA AND HEMOLYSIS. Identifiers: Orphanet 168577, MedGen C1837206, MONDO:0012143, OMIM 608885.
Dystonia 9 (DYT9). Also called: CHOREOATHETOSIS, KINESIGENIC, WITH EPISODIC ATAXIA AND SPASTICITY. Identifiers: Orphanet 53583, MedGen C1832855, MONDO:0010983, OMIM 601042.
Childhood onset GLUT1 deficiency syndrome 2. Also called: Paroxysmal exercise-induced dystonia; PAROXYSMAL EXERCISE-INDUCED DYSKINESIA WITH OR WITHOUT EPILEPSY AND/OR HEMOLYTIC ANEMIA; PAROXYSMAL EXERTION-INDUCED DYSTONIA WITH OR WITHOUT EPILEPSY AND/OR HEMOLYTIC ANEMIA; PED WITH OR WITHOUT EPILEPSY AND/OR HEMOLYTIC ANEMIA; PxMD-SLC2A1; GLUT1 deficiency syndrome 2. Identifiers: Orphanet 98811, MedGen C1842534, MONDO:0012805, OMIM 612126.
Epilepsy, idiopathic generalized, susceptibility to, 12 (EIG12). Identifiers: MedGen C3553859, MONDO:0013919, OMIM 614847.

Allele frequency attached by ClinVar (database versions not stated): gnomAD exomes below 0.00001 and 0.00003; gnomAD 0.00001; TOPMed 0.00001; ExAC 0.00002.
gnomAD v4.1: 4 of 1,614,082 alleles (0.00025%); highest among the groups gnomAD compares: East Asian, 0.0067%; no homozygotes.

Submissions (2):

Labcorp Genetics (formerly Invitae), Labcorp
Classification: Likely benign for GLUT1 deficiency syndrome 1, autosomal recessive. Last evaluated: 2019-09-10. Review status: criteria provided, single submitter. Criteria: Invitae Variant Classification Sherloc (09022015). Collection method: clinical testing. Allele origin: germline.

Center for Genomics, Ann and Robert H. Lurie Children's Hospital of Chicago
Classification: Uncertain significance for Dystonia 9; Encephalopathy due to GLUT1 deficiency; Hereditary cryohydrocytosis with reduced stomatin; Epilepsy, idiopathic generalized, susceptibility to, 12; Childhood onset GLUT1 deficiency syndrome 2. Review status: criteria provided, single submitter. Criteria: ACMG Guidelines, 2015. Collection method: clinical testing. Allele origin: germline.
Comment: SLC2A1 NM_006516 exon 3 p.Leu64= (c.192C>G): This variant has not been reported in the literature but is present in 7/18870 East Asian alleles in the Genome Aggregation Database. Evolutionary conservation and computational predictive tools for this variant are limited or unavailable. Of note, this variant is a silent variant and does not change the amino acid, reducing the probability that this variant is disease causing. In summary, data on this variant is insufficient for disease classification. Therefore, the clinical significance of this variant is uncertain

NM_006516.4(SLC2A1):c.192C>G (p.Leu64=)

Gene: SLC2A1 (solute carrier family 2 member 1; minus strand). Cytogenetic location: 1p34.2.
Variant type: single nucleotide variant.
Coding change: c.192C>G on transcript NM_006516.4 (MANE Select); coding-DNA position 192, C replaced by G.
Protein change: p.Leu64=; no amino-acid change (leucine 64 retained).
Molecular consequence: synonymous variant.
Genome position (GRCh38, 1-based): chr1:42,931,129, G>C on the plus strand (C>G on the coding strand, the complement: SLC2A1 is on the minus strand). VCF-style: chr1-42931129-G-C. GRCh37 (hg19) VCF-style: chr1-43396800-G-C.
Identifiers: ClinVar variation 626018 (VCV000626018.11), dbSNP rs762583668, ClinGen allele CA803595.